The following is an entry in ClinVar:

NM_004360.5(CDH1):c.895G>A (p.Ala299Thr)

Gene: CDH1 (cadherin 1; plus strand). Cytogenetic location: 16q22.1.
Variant type: single nucleotide variant.
Coding change: c.895G>A on transcript NM_004360.5 (MANE Select); coding-DNA position 895, G replaced by A.
Protein change: p.Ala299Thr; replaces alanine 299 with threonine.
Molecular consequence: missense variant. On other transcripts: 5 prime UTR variant (2).
Genome position (GRCh38, 1-based): chr16:68,811,746, G>A. VCF-style: chr16-68811746-G-A. GRCh37 (hg19) VCF-style: chr16-68845649-G-A.
Other names: c.895G>A, p.Ala299Thr (NM_001317184.2); c.-721G>A (NM_001317185.2); c.-925G>A (NM_001317186.2); short protein forms A299T.
Identifiers: ClinVar variation 979047 (VCV000979047.7), dbSNP rs1960837744, ClinGen allele CA396459666.

ClinVar aggregate classification (germline): Conflicting classifications of pathogenicity. Review status: criteria provided, conflicting classifications (1 of 4 stars). 4 submissions from 4 submitters: Likely pathogenic (1); Uncertain significance (2). 1 of the submissions does not count toward it. Last evaluated 2026-05-11.

Conditions:
Hereditary cancer-predisposing syndrome. Also called: Tumor predisposition; Hereditary Cancer Syndrome; Neoplastic Syndromes, Hereditary; Hereditary neoplastic syndrome. Identifiers: Orphanet 140162, MedGen C0027672, MeSH D009386, MONDO:0015356.
Blepharocheilodontic syndrome 1 (BCDS1). Identifiers: Orphanet 1997, MedGen C4551988, MONDO:0054740, OMIM 119580.
Cleft lip/palate. Also called: Cleft lip and palate. Identifiers: Orphanet 199306, MedGen C0158646, MONDO:0016044.
Hereditary diffuse gastric adenocarcinoma (HDGC). Also called: DIFFUSE GASTRIC AND LOBULAR BREAST CANCER SYNDROME. Identifiers: Orphanet 26106, MedGen C1708349, MONDO:0007648, OMIM 137215.

Submissions (4):

Victorian Clinical Genetics Services, Murdoch Childrens Research Institute
Classification: Likely pathogenic for Blepharocheilodontic syndrome 1. Last evaluated: 2026-05-11. Review status: criteria provided, single submitter. Criteria: ACMG Guidelines, 2015. Collection method: clinical testing. Allele origin: germline. Affected: yes.
Comment: This variant is classified as Likely pathogenic. Evidence in support of pathogenic classification: Variant is absent from gnomAD (v2, v3 and v4); This variant has strong previous evidence of pathogenicity in unrelated individuals. This variant has been reported in the literature in individuals with bilateral cleft lip and palate or blepharocheilodontic syndrome; at least one case demonstrated de novo inheritance (Mintz, C. et al. 2024, PMIDs: 32260281, 38386321). This variant has been classified as a VUS by clinical laboratories in ClinVar; one identified the variant in an individual with cleft lip and palate and a personal and family history of breast cancer, and an unrelated individual with cleft lip and palate whose son also had additional features of blepharocheilodontic syndrome (ClinVar, Ambry Genetics personal communication); Evidence in support of benign classification: Missense variant predicted to be tolerated by in silico tool(s) or not conserved in placental mammals with a minor amino acid change. Additional information: Variant is predicted to result in a missense amino acid change from Ala to Thr; This variant is heterozygous; This gene is associated with autosomal dominant disease; Alternative amino acid change(s) at the same position are present in gnomAD (highest allele count: v4: 7 heterozygote(s), 0 homozygote(s)); No published functional evidence has been identified for this variant; Other missense variants comparable to the one identified in this case have inconclusive previous evidence for pathogenicity. p.(Ala299Gly) and p.(Ala299Val) have been classified as VUS by clinical laboratories in ClinVar. c.896C>G; p.(Ala299Gly) has also been reported in the literature in an individual with a family history of breast cancer (PMID: 36436516); Variant is located in the annotated cadherin domain (DECIPHER); Loss of function is a known mechanism of disease in this gene and is associated with CDH1-related conditions, including blepharocheilodontic syndrome 1 (MIM#119580) and diffuse gastric and lobular breast cancer syndrome with or without cleft lip and/or palate (MIM#137215); The condition associated with this gene has incomplete penetrance. Incomplete penetrance has been reported in some families (OMIM).

Labcorp Genetics (formerly Invitae), Labcorp
Classification: Uncertain significance for Hereditary diffuse gastric adenocarcinoma. Last evaluated: 2024-11-12. Review status: criteria provided, single submitter. Criteria: Invitae Variant Classification Sherloc (09022015). Collection method: clinical testing. Allele origin: germline.
Comment: This sequence change replaces alanine, which is neutral and non-polar, with threonine, which is neutral and polar, at codon 299 of the CDH1 protein (p.Ala299Thr). This variant is not present in population databases (gnomAD no frequency). This variant has not been reported in the literature in individuals affected with CDH1-related conditions. ClinVar contains an entry for this variant (Variation ID: 979047). An algorithm developed to predict the effect of missense changes on protein structure and function (PolyPhen-2) suggests that this variant is likely to be disruptive. In summary, the available evidence is currently insufficient to determine the role of this variant in disease. Therefore, it has been classified as a Variant of Uncertain Significance.

Ambry Genetics
Classification: Uncertain significance for Hereditary cancer-predisposing syndrome. Last evaluated: 2024-11-07. Review status: criteria provided, single submitter. Criteria: Ambry Variant Classification Scheme 2023. Collection method: clinical testing. Allele origin: germline.
Comment: The p.A299T variant (also known as c.895G>A), located in coding exon 7 of the CDH1 gene, results from a G to A substitution at nucleotide position 895. The alanine at codon 299 is replaced by threonine, an amino acid with similar properties. This variant has been reported in individuals with features of blepharocheilodontic syndrome including cleft lip and palate, and was reported as de novo in at least one patient (Selvanathan A et al. Genes (Basel), 2020 Apr;11; Ambry internal data). This amino acid position is not well conserved in available vertebrate species. In addition, this alteration is predicted to be tolerated by in silico analysis. Based on the supporting evidence, the association of this alteration with CDH1-related blepharocheilodontic syndrome is uncertain; however, the association of this alteration with CDH1-related diffuse gastric and lobular breast cancer (DGLBC) is unlikely.

University of Washington Center for Mendelian Genomics, University of Washington
Classification: Uncertain significance for cleft lip/palate. Review status: no assertion criteria provided. Collection method: research. Allele origin: unknown. Affected: yes. Not counted in ClinVar's aggregate classification.

Literature cited by the submitters: PubMed 32260281 (cited by 3 submitters); PubMed 38386321 (cited by Victorian Clinical Genetics Services, Murdoch Childrens Research Institute); PubMed 36436516 (cited by Victorian Clinical Genetics Services, Murdoch Childrens Research Institute).